The following is an entry in ClinVar:

NM_000016.6(ACADM):c.817_829del (p.Ala273fs)

Gene: ACADM (acyl-CoA dehydrogenase medium chain; plus strand). Cytogenetic location: 1p31.1.
Variant type: Deletion.
Coding change: c.817_829del on transcript NM_000016.6 (MANE Select); coding-DNA positions 817 to 829, 13 bases deleted (GCAATGGGAGCTT).
Protein change: p.Ala273fs; shifts the reading frame from alanine 273.
Molecular consequence: frameshift variant.
Genome position (GRCh38, 1-based): chr1:75,749,527-75,749,539, GCAATGGGAGCTT deleted; deleting any 13 consecutive bases within chr1:75,749,525-75,749,539 gives the same sequence; the c. name uses the placement nearest the transcript's 3' end. VCF-style (leftmost placement, unchanged base first): chr1-75749524-GTTGCAATGGGAGC-G. GRCh37 (hg19) VCF-style: chr1-76215209-GTTGCAATGGGAGC-G.
Other names: c.817_829delGCAATGGGAGCTT (NM_000016.5); c.829_841del, p.Ala277fs (NM_001127328.3); c.709_721del, p.Ala237fs (NM_001286042.2); c.916_928del, p.Ala306fs (NM_001286043.2); c.250_262del, p.Ala84fs (NM_001286044.2); short protein forms A237fs, A273fs, A306fs, A277fs, A84fs.
Identifiers: ClinVar variation 226099 (VCV000226099.19), dbSNP rs875989872, ClinGen allele CA913206.

ClinVar aggregate classification (germline): Pathogenic/Likely pathogenic. Review status: criteria provided, multiple submitters, no conflicts (2 of 4 stars). 6 submissions from 6 submitters: Pathogenic (4); Likely pathogenic (1). 1 of the submissions does not count toward it. Last evaluated 2025-08-11.

Conditions:
Medium-chain acyl-coenzyme A dehydrogenase deficiency (ACADMD). Also called: MCADD; Medium chain acyl-CoA dehydrogenase deficiency; MCAD Deficiency; ACADM DEFICIENCY; CARNITINE DEFICIENCY SECONDARY TO MEDIUM-CHAIN ACYL-CoA DEHYDROGENASE DEFICIENCY; MCADH DEFICIENCY. Identifiers: Orphanet 42, MedGen C0220710, MONDO:0008721, OMIM 201450.
ACADM-related disorder. Also called: ACADM-related condition.

Submissions (6):

Natera, Inc.
Classification: Pathogenic for Medium Chain Acyl-CoA Dehydrogenase Deficiency. Last evaluated: 2025-08-11. Review status: criteria provided, single submitter. Criteria: Natera Variant Classification Schema (03/2026). Collection method: clinical testing. Allele origin: germline.
Comment: The c.817_829delGCAATGGGAGCTT variant in ACADM is a frameshift variant predicted to shift the reading frame beginning at codon 273 and leads to a stop codon 7 codons downstream. This variant is expected to result in nonsense mediated decay, truncation, or a dysfunctional protein product. This variant is rare in the general population with a frequency below the threshold expected for the associated phenotype(s). This variant has been observed in one or more individuals affected with the associated recessive disease, as either homozygous or compound heterozygous with a second variant (PMID: 33580884). Given the available evidence, this variant is classified as Pathogenic.

Baylor Genetics
Classification: Pathogenic for Medium-chain acyl-coenzyme A dehydrogenase deficiency. Last evaluated: 2024-02-28. Review status: criteria provided, single submitter. Criteria: ACMG Guidelines, 2015. Collection method: clinical testing. Allele origin: unknown.

Labcorp Genetics (formerly Invitae), Labcorp
Classification: Pathogenic for Medium-chain acyl-coenzyme A dehydrogenase deficiency. Last evaluated: 2023-07-25. Review status: criteria provided, single submitter. Criteria: Invitae Variant Classification Sherloc (09022015). Collection method: clinical testing. Allele origin: germline.
Comment: ClinVar contains an entry for this variant (Variation ID: 226099). For these reasons, this variant has been classified as Pathogenic. This premature translational stop signal has been observed in individual(s) with ACADM-related conditions (PMID: 32793418). This variant is not present in population databases (gnomAD no frequency). This sequence change creates a premature translational stop signal (p.Ala273Leufs*7) in the ACADM gene. It is expected to result in an absent or disrupted protein product. Loss-of-function variants in ACADM are known to be pathogenic (PMID: 16121256, 20434380).

Blueprint Genetics
Classification: Likely pathogenic for ACADM-related disorders. Last evaluated: 2022-02-07. Review status: criteria provided, single submitter. Criteria: ACMG Guidelines, 2015. Collection method: clinical testing. Allele origin: germline. Affected: yes. Observed: 2 variant alleles.

ARUP Laboratories, Molecular Genetics and Genomics, ARUP Laboratories
Classification: Pathogenic for Medium-chain acyl-coenzyme A dehydrogenase deficiency. Last evaluated: 2015-02-20. Review status: criteria provided, single submitter. Criteria: ACMG Guidelines, 2015. Collection method: clinical testing. Allele origin: germline. Inheritance: Autosomal recessive inheritance. Observed: 1 heterozygote.

Counsyl
Classification: Likely pathogenic for Medium-chain acyl-coenzyme A dehydrogenase deficiency. Last evaluated: 2016-08-03. Review status: no assertion criteria provided. Collection method: clinical testing. Allele origin: unknown. Not counted in ClinVar's aggregate classification.

Literature cited by the submitters: PubMed 33580884 (cited by Natera, Inc.); PubMed 32793418 (cited by Labcorp Genetics (formerly Invitae), Labcorp); PubMed 16121256 (cited by Labcorp Genetics (formerly Invitae), Labcorp); PubMed 20434380 (cited by Labcorp Genetics (formerly Invitae), Labcorp).